The following is an entry in ClinVar:

NM_006642.5(SDCCAG8):c.16G>A (p.Glu6Lys)

Gene: SDCCAG8 (SHH signaling and ciliogenesis regulator SDCCAG8; plus strand). Cytogenetic location: 1q43.
Variant type: single nucleotide variant.
Coding change: c.16G>A on transcript NM_006642.5 (MANE Select); coding-DNA position 16, G replaced by A.
Protein change: p.Glu6Lys; replaces glutamic acid 6 with lysine.
Molecular consequence: missense variant. On other transcripts: 5 prime UTR variant (4).
Genome position (GRCh38, 1-based): chr1:243,256,189, G>A. VCF-style: chr1-243256189-G-A. GRCh37 (hg19) VCF-style: chr1-243419491-G-A.
Other names: c.-1097G>A (NM_001350246.2); c.-985G>A (NM_001350247.2); c.16G>A, p.Glu6Lys (NM_001350248.2); c.-292G>A (NM_001350249.2); c.-1358G>A (NM_001350251.2); short protein forms E6K.
Identifiers: ClinVar variation 4990232 (VCV004990232.1).
Genomic context (GRCh38, chr1:243,256,189, plus strand): 5'-GACATTTCCCCACGTAACTCCCAGCTCTGGGCCTAGAGTGCGTGCATGGCGAAGTCCCCG[G>A]AGAACTCTACCCTGGAGGAGATTCTGGGGCAGTATCAACGGAGTCTCCGGGGTGAGTTGC-3'
Protein context (NP_006633.1, residues 1-16): MAKSP[Glu6Lys]NSTLEEILGQ

ClinVar aggregate classification (germline): Uncertain significance (1 of 4 stars; one submission).

Conditions:
SDCCAG8-related disorder. Also called: SDCCAG8-Related Disorders; SDCCAG8-related condition.

gnomAD v4.1: 1 of 1,614,210 alleles (0.000062%); highest among the groups gnomAD compares: Admixed American, 0.0017%; no homozygotes.

Submission:

PreventionGenetics, part of Exact Sciences
Classification: Uncertain significance for SDCCAG8-related condition. Last evaluated: 2025-10-13. Review status: criteria provided, single submitter. Criteria: ACMG Guidelines, 2015. Collection method: clinical testing. Allele origin: germline.
Comment: The SDCCAG8 c.16G>A variant is predicted to result in the amino acid substitution p.Glu6Lys. To our knowledge, this variant has not been reported in the literature. This variant is reported in 0.0029% of alleles in individuals of Latino descent in gnomAD. At this time, the clinical significance of this variant is uncertain due to the absence of conclusive functional and genetic evidence.